The following is an entry in ClinVar:

ClinVar aggregate classification (germline): Benign (0 of 4 stars; one submission).

Conditions:
TGM3-related disorder. Also called: TGM3-related condition.

Allele frequency attached by ClinVar (database versions not stated): 1000 Genomes Project 30x 0.73251; 1000 Genomes Project 0.74261; ExAC 0.81024; ESP Exome Variant Server 0.70698; TOPMed 0.72015.

Submission:

PreventionGenetics, part of Exact Sciences
Classification: Benign for TGM3-related condition. Last evaluated: 2019-04-16. Review status: no assertion criteria provided. Collection method: clinical testing. Allele origin: germline.
Comment: This variant is classified as benign based on ACMG/AMP sequence variant interpretation guidelines (Richards et al. 2015 PMID: 25741868, with internal and published modifications).

NM_003245.4(TGM3):c.38C>A (p.Thr13Lys)

Gene: TGM3 (transglutaminase 3; plus strand). Cytogenetic location: 20p13.
Variant type: single nucleotide variant.
Coding change: c.38C>A on transcript NM_003245.4 (MANE Select); coding-DNA position 38, C replaced by A.
Protein change: p.Thr13Lys; replaces threonine 13 with lysine.
Molecular consequence: missense variant.
Genome position (GRCh38, 1-based): chr20:2,309,687, C>A. VCF-style: chr20-2309687-C-A. GRCh37 (hg19) VCF-style: chr20-2290333-C-A.
Other names: short protein forms T13K.
Identifiers: ClinVar variation 3060440 (VCV003060440.2), dbSNP rs214803, ClinGen allele CA9730703.